The following is an entry in ClinVar:

ClinVar aggregate classification (germline): Pathogenic/Likely pathogenic. Review status: criteria provided, multiple submitters, no conflicts (2 of 4 stars). 5 submissions from 5 submitters: Pathogenic (1); Likely pathogenic (1). 3 of the submissions do not count toward it. Last evaluated 2023-09-01.

Conditions:
Auditory neuropathy spectrum disorder. Identifiers: MedGen C2732267.
Nonsyndromic genetic hearing loss. Also called: Non-syndromic genetic deafness; Nonsyndromic hearing loss and deafness; Nonsyndromic genetic deafness. Identifiers: Orphanet 87884, MedGen C5680182, MONDO:0019497.
Autosomal recessive nonsyndromic hearing loss 9. Also called: Deafness, autosomal recessive 9; OTOF-Related Hearing Loss; NEUROSENSORY NONSYNDROMIC RECESSIVE DEAFNESS 9; AUDITORY NEUROPATHY, AUTOSOMAL RECESSIVE, 1, TEMPERATURE-SENSITIVE. Identifiers: Orphanet 90636, MedGen C1832828, MONDO:0010986, OMIM 601071.

Allele frequency attached by ClinVar (database versions not stated): ExAC 0.00001; gnomAD exomes 0.00001.
gnomAD v4.1: 7 of 1,505,100 alleles (0.00047%); highest among the groups gnomAD compares: Middle Eastern, 0.018%; no homozygotes.

Submissions (5):

Women's Health and Genetics/Laboratory Corporation of America, LabCorp
Classification: Pathogenic for Nonsyndromic genetic hearing loss. Last evaluated: 2023-09-01. Review status: criteria provided, single submitter. Criteria: LabCorp Variant Classification Summary - May 2015. Collection method: clinical testing. Allele origin: germline.
Comment: Variant summary: OTOF c.5567G>A (p.Arg1856Gln) results in a conservative amino acid change located in the C2 domain IPR000008) of the encoded protein sequence. Four of five in-silico tools predict a damaging effect of the variant on protein function. The variant allele was found at a frequency of 8e-06 in 250872 control chromosomes. c.5567G>A has been reported in the literature in multiple individuals affected with Nonsyndromic Hearing Loss And Deafness (Choi_2009, Iwasa_2019, Iwasa_2013) and shown to segregate with disease. These data indicate that the variant is very likely to be associated with disease. To our knowledge, no experimental evidence demonstrating an impact on protein function has been reported. The following publications have been ascertained in the context of this evaluation (PMID: 19250381, 24053799, 31095577). No submitters have cited clinical-significance assessments for this variant to ClinVar after 2014. Based on the evidence outlined above, the variant was classified as pathogenic.

Labcorp Genetics (formerly Invitae), Labcorp
Classification: Likely pathogenic. Last evaluated: 2023-04-25. Review status: criteria provided, single submitter. Criteria: Invitae Variant Classification Sherloc (09022015). Collection method: clinical testing. Allele origin: germline.
Comment: In summary, the currently available evidence indicates that the variant is pathogenic, but additional data are needed to prove that conclusively. Therefore, this variant has been classified as Likely Pathogenic. This variant disrupts the p.Arg1856 amino acid residue in OTOF. Other variant(s) that disrupt this residue have been determined to be pathogenic (PMID: 26445815, 26632695, 30482216, 32860223). This suggests that this residue is clinically significant, and that variants that disrupt this residue are likely to be disease-causing. Algorithms developed to predict the effect of sequence changes on RNA splicing suggest that this variant may create or strengthen a splice site. Advanced modeling of protein sequence and biophysical properties (such as structural, functional, and spatial information, amino acid conservation, physicochemical variation, residue mobility, and thermodynamic stability) performed at Invitae indicates that this missense variant is not expected to disrupt OTOF protein function. ClinVar contains an entry for this variant (Variation ID: 65811). This missense change has been observed in individuals with deafness (PMID: 19250381, 31095577, 34536124). This variant is present in population databases (rs397515608, gnomAD 0.01%). This sequence change replaces arginine, which is basic and polar, with glutamine, which is neutral and polar, at codon 1856 of the OTOF protein (p.Arg1856Gln).

Diagnosis and Treatment Center of Genetic Hearing Loss, Eye & ENT Hospital of Fudan University
Classification: Pathogenic for Autosomal recessive nonsyndromic hearing loss 9. Last evaluated: 2026-02-04. Review status: no assertion criteria provided. Collection method: clinical testing. Allele origin: germline. Inheritance: Autosomal recessive inheritance. Affected: yes. Clinical features observed: hearing loss. Not counted in ClinVar's aggregate classification.
Comment: The c.5567G>A missense variant in OTOF has been reported in at least three probands: one with a second pathogenic variant (c.1422T>A), one with c.3515G>A, and one homozygous (PM3_Strong; PMID: 31095577, PMID: 19250381). In a 13‑member family, the proband and three affected siblings were homozygous, while seven healthy siblings were wild‑type/heterozygous (PP1_Strong). The maximum population frequency is 0.000054 (PM2_Supporting). The REVEL score is 0.777 (PP3_Moderate). The phenotype is consistent with auditory neuropathy (PP4).

Department of Otolaryngology, Head and Neck Surgery, Beijing Friendship Hospital, Capital Medical University
Classification: Pathogenic for Auditory neuropathy spectrum disorder. Last evaluated: 2020-06-20. Review status: no assertion criteria provided. Collection method: clinical testing. Allele origin: inherited. Inheritance: Autosomal recessive inheritance. Affected: yes. Not counted in ClinVar's aggregate classification.

GeneReviews
No classification provided. Condition: Autosomal recessive nonsyndromic hearing loss 9. Review status: no classification provided. Collection method: literature only. Allele origin: unknown. Not counted in ClinVar's aggregate classification.

Literature cited by the submitters: PubMed 31095577 (cited by 3 submitters); PubMed 24053799 (cited by Women's Health and Genetics/Laboratory Corporation of America, LabCorp); PubMed 19250381 (cited by 4 submitters); PubMed 26445815 (cited by Labcorp Genetics (formerly Invitae), Labcorp); PubMed 26632695 (cited by Labcorp Genetics (formerly Invitae), Labcorp); PubMed 30482216 (cited by Labcorp Genetics (formerly Invitae), Labcorp); PubMed 32860223 (cited by Labcorp Genetics (formerly Invitae), Labcorp); PubMed 34536124 (cited by Labcorp Genetics (formerly Invitae), Labcorp); PubMed 20301429 (cited by GeneReviews); NCBI Bookshelf NBK1251 (cited by GeneReviews).

NM_194248.3(OTOF):c.5567G>A (p.Arg1856Gln)

Gene: OTOF (otoferlin; minus strand). Cytogenetic location: 2p23.3.
Variant type: single nucleotide variant.
Coding change: c.5567G>A on transcript NM_194248.3 (MANE Select); coding-DNA position 5567, G replaced by A.
Protein change: p.Arg1856Gln; replaces arginine 1856 with glutamine.
Molecular consequence: missense variant.
Genome position (GRCh38, 1-based): chr2:26,460,997, C>T on the plus strand (G>A on the coding strand, the complement: OTOF is on the minus strand). VCF-style: chr2-26460997-C-T. GRCh37 (hg19) VCF-style: chr2-26683865-C-T.
Other names: c.5567G>A (NM_194248.2); c.5567G>A, p.Arg1856Gln (NM_001287489.2); c.3266G>A, p.Arg1089Gln (NM_004802.4, NM_194323.3); c.3497G>A, p.Arg1166Gln (NM_194322.3); short protein forms R1856Q, R1089Q, R1166Q.
Identifiers: ClinVar variation 65811 (VCV000065811.10), dbSNP rs397515608, ClinGen allele CA345139.
Genomic context (GRCh38, chr2:26,460,997, plus strand): 5'-GGCACGTCCACCTCCCCGGTGGCCATCTCCATGGTGCACTGCTTGGCTGTCTTTGCGCCC[C>T]GCGGGAACCGGTTCAGGTCCAGCTCGATGGCCCCTGTGGCAACCTCAGTGTCAGCTCAGA-3'
Protein context (NP_919224.1, residues 1846-1866): AIELDLNRFP[Arg1856Gln]GAKTAKQCTM